The following is an entry in ClinVar:

ClinVar aggregate classification (germline): Likely benign. Review status: criteria provided, single submitter (1 of 4 stars). 2 submissions from 2 submitters: Likely benign (1). 1 of the submissions does not count toward it. Last evaluated 2025-05-17.

Conditions:
Developmental and epileptic encephalopathy 94 (DEE94). Also called: CHD2-Related Neurodevelopmental Disorders; Epileptic encephalopathy, childhood-onset. Identifiers: Orphanet 1942, Orphanet 2382, MedGen C3809278, MONDO:0014150, OMIM 615369.

Allele frequency attached by ClinVar (database versions not stated): ExAC 0.00002; gnomAD exomes 0.00003 and 0.00010; gnomAD 0.00006 and 0.00009; ESP Exome Variant Server 0.00008; TOPMed 0.00011.
gnomAD v4.1: 180 of 1,613,990 alleles (0.011%); highest among the groups gnomAD compares: Non-Finnish European, 0.013%; no homozygotes.

Submissions (2):

Labcorp Genetics (formerly Invitae), Labcorp
Classification: Likely benign for Developmental and epileptic encephalopathy 94. Last evaluated: 2025-05-17. Review status: criteria provided, single submitter. Criteria: Invitae Variant Classification Sherloc (09022015). Collection method: clinical testing. Allele origin: germline.

Department of Pathology and Laboratory Medicine, Sinai Health System
Classification: Likely benign. Review status: no assertion criteria provided. Collection method: clinical testing. Allele origin: unknown. Affected: yes. Study: The Canadian Open Genetics Repository (COGR). Not counted in ClinVar's aggregate classification.
Comment: The CHD2 p.Asp1660Asn variant was not identified in the literature but was identified in dbSNP (ID: rs61752830) and ClinVar (classified as uncertain significance by Invitae for Epileptic encephalopathy, childhood-onset). The variant was identified in control databases in 10 of 282816 chromosomes at a frequency of 0.00003536 (Genome Aggregation Database March 6, 2019, v2.1.1). The variant was observed in the following populations: Other in 1 of 7220 chromosomes (freq: 0.000139), European (non-Finnish) in 8 of 129150 chromosomes (freq: 0.000062) and African in 1 of 24962 chromosomes (freq: 0.00004), but was not observed in the Latino, Ashkenazi Jewish, East Asian, European (Finnish), or South Asian populations. This frequency is greater than expected for rare autosomal dominant CHD2-related neurodevelopmental disorders. The p.Asp1660 residue is conserved in mammals and computational analyses (PolyPhen-2, SIFT, AlignGVGD, BLOSUM, MutationTaster) provide inconsistent predictions regarding the impact to the protein; this information is not very predictive of pathogenicity. The variant occurs outside of the splicing consensus sequence and in silico or computational prediction software programs (SpliceSiteFinder, MaxEntScan, NNSPLICE, GeneSplicer) do not predict a difference in splicing. In summary, based on the above information the clinical significance of this variant cannot be determined with certainty at this time although we would lean towards a more benign role for this variant. This variant is classified as likely benign.

NM_001271.4(CHD2):c.4978G>A (p.Asp1660Asn)

Gene: CHD2 (chromodomain helicase DNA binding protein 2; plus strand). Cytogenetic location: 15q26.1.
Variant type: single nucleotide variant.
Coding change: c.4978G>A on transcript NM_001271.4 (MANE Select); coding-DNA position 4978, G replaced by A.
Protein change: p.Asp1660Asn; replaces aspartic acid 1660 with asparagine.
Molecular consequence: missense variant.
Genome position (GRCh38, 1-based): chr15:93,020,083, G>A. VCF-style: chr15-93020083-G-A. GRCh37 (hg19) VCF-style: chr15-93563313-G-A.
Other names: short protein forms D1660N.
Identifiers: ClinVar variation 238884 (VCV000238884.12), dbSNP rs61752830, ClinGen allele CA7748612.